The following is an entry in ClinVar:

NM_006757.4(TNNT3):c.225C>G (p.Ile75Met)

Gene: TNNT3 (troponin T3, fast skeletal type; plus strand). Cytogenetic location: 11p15.5.
Variant type: single nucleotide variant.
Coding change: c.225C>G on transcript NM_006757.4 (MANE Select); coding-DNA position 225, C replaced by G.
Protein change: p.Ile75Met; replaces isoleucine 75 with methionine.
Molecular consequence: missense variant.
Genome position (GRCh38, 1-based): chr11:1,933,774, C>G. VCF-style: chr11-1933774-C-G. GRCh37 (hg19) VCF-style: chr11-1955004-C-G.
Other names: c.21C>G, p.Ile7Met (NM_001367852.1, NM_001367851.1); c.201C>G, p.Ile67Met (NM_001042780.3, NM_001042782.3, NM_001297646.2 and 2 more transcripts); c.219C>G, p.Ile73Met (NM_001042781.3, NM_001367842.1, NM_001367843.1); c.234C>G, p.Ile78Met (NM_001363561.2, NM_001367847.1); c.258C>G, p.Ile86Met (NM_001367846.1); c.222C>G, p.Ile74Met (NM_001367848.1); c.213C>G, p.Ile71Met (NM_001367849.1); c.168C>G, p.Ile56Met (NM_001367850.1); short protein forms I56M, I67M, I75M, I7M, I86M, I73M, I71M, I74M.
Identifiers: ClinVar variation 1937750 (VCV001937750.5), dbSNP rs375914283, ClinGen allele CA5816396.
Genomic context (GRCh38, chr11:1,933,774, plus strand): 5'-CCCACAGGACATCCAGAAGAAGCGTCAGAACAAAGACCTAATGGAGCTCCAGGCCCTCAT[C>G]GACAGCCACTTTGAAGCCCGGAAGAAGGAGGAGGAGGAGCTGGTCGCTCTCAAAGAGAGA-3'
Protein context (NP_006748.1, residues 65-85): NKDLMELQAL[Ile75Met]DSHFEARKKE

ClinVar aggregate classification (germline): Uncertain significance (1 of 4 stars; one submission).

Allele frequency attached by ClinVar (database versions not stated): ESP Exome Variant Server 0.00008.
gnomAD v4.1: 11 of 1,612,766 alleles (0.00068%); highest among the groups gnomAD compares: Non-Finnish European, 0.00093%; no homozygotes.

Submission:

Labcorp Genetics (formerly Invitae), Labcorp
Classification: Uncertain significance. Last evaluated: 2024-04-01. Review status: criteria provided, single submitter. Criteria: Invitae Variant Classification Sherloc (09022015). Collection method: clinical testing. Allele origin: germline.
Comment: This sequence change replaces isoleucine, which is neutral and non-polar, with methionine, which is neutral and non-polar, at codon 75 of the TNNT3 protein (p.Ile75Met). This variant is present in population databases (rs375914283, gnomAD 0.003%). This variant has not been reported in the literature in individuals affected with TNNT3-related conditions. ClinVar contains an entry for this variant (Variation ID: 1937750). An algorithm developed to predict the effect of missense changes on protein structure and function (PolyPhen-2) suggests that this variant is likely to be disruptive. In summary, the available evidence is currently insufficient to determine the role of this variant in disease. Therefore, it has been classified as a Variant of Uncertain Significance.